The following is an entry in ClinVar:

NM_013382.7(POMT2):c.781C>T (p.Leu261Phe)

Gene: POMT2 (protein O-mannosyltransferase 2; minus strand). Cytogenetic location: 14q24.3.
Variant type: single nucleotide variant.
Coding change: c.781C>T on transcript NM_013382.7 (MANE Select); coding-DNA position 781, C replaced by T.
Protein change: p.Leu261Phe; replaces leucine 261 with phenylalanine.
Molecular consequence: missense variant.
Genome position (GRCh38, 1-based): chr14:77,301,125, G>A on the plus strand (C>T on the coding strand, the complement: POMT2 is on the minus strand). VCF-style: chr14-77301125-G-A. GRCh37 (hg19) VCF-style: chr14-77767468-G-A.
Other names: short protein forms L261F.
Identifiers: ClinVar variation 1953046 (VCV001953046.5), dbSNP rs2503276795, ClinGen allele CA390520148.

ClinVar aggregate classification (germline): Uncertain significance (1 of 4 stars; one submission).

Conditions:
Muscular dystrophy-dystroglycanopathy (congenital with impaired intellectual development), type B, 2. Also called: MUSCULAR DYSTROPHY, CONGENITAL, POMT2-RELATED; Muscular dystrophy-dystroglycanopathy (congenital with intellectual disability), type B2. Identifiers: MedGen C3150416, MONDO:0013160, OMIM 613156.
Muscular dystrophy-dystroglycanopathy (congenital with brain and eye anomalies), type A2. Also called: MUSCULAR DYSTROPHY-DYSTROGLYCANOPATHY (CONGENITAL WITH BRAIN AND EYE ANOMALIES), TYPE A, 2; WALKER-WARBURG SYNDROME OR MUSCLE-EYE-BRAIN DISEASE, POMT2-RELATED. Identifiers: Orphanet 588, Orphanet 899, MedGen C3150411, MONDO:0013154, OMIM 613150.
Autosomal recessive limb-girdle muscular dystrophy type 2N. Also called: MUSCULAR DYSTROPHY-DYSTROGLYCANOPATHY, LIMB-GIRDLE, POMT2-RELATED; Muscular dystrophy-dystroglycanopathy (limb-girdle), type C, 2. Identifiers: Orphanet 206559, MedGen C3150418, MONDO:0013162, OMIM 613158.

Allele frequency attached by ClinVar (database versions not stated): gnomAD exomes below 0.00001.

Submission:

Labcorp Genetics (formerly Invitae), Labcorp
Classification: Uncertain significance for Muscular dystrophy-dystroglycanopathy (congenital with impaired intellectual development), type B, 2; Muscular dystrophy-dystroglycanopathy (congenital with brain and eye anomalies), type A2; Autosomal recessive limb-girdle muscular dystrophy type 2N. Last evaluated: 2025-09-08. Review status: criteria provided, single submitter. Criteria: Invitae Variant Classification Sherloc (09022015). Collection method: clinical testing. Allele origin: germline.
Comment: This sequence change replaces leucine, which is neutral and non-polar, with phenylalanine, which is neutral and non-polar, at codon 261 of the POMT2 protein (p.Leu261Phe). This variant is not present in population databases (gnomAD no frequency). This variant has not been reported in the literature in individuals affected with POMT2-related conditions. ClinVar contains an entry for this variant (Variation ID: 1953046). Invitae Evidence Modeling of protein sequence and biophysical properties (such as structural, functional, and spatial information, amino acid conservation, physicochemical variation, residue mobility, and thermodynamic stability) has been performed for this missense variant. However, the output from this modeling did not meet the statistical confidence thresholds required to predict the impact of this variant on POMT2 protein function. In summary, the available evidence is currently insufficient to determine the role of this variant in disease. Therefore, it has been classified as a Variant of Uncertain Significance.